The following is an entry in ClinVar:

ClinVar aggregate classification (germline): Uncertain significance (1 of 4 stars; one submission).

Conditions:
Werner syndrome (WRN). Identifiers: Orphanet 902, MedGen C0043119, MONDO:0010196, OMIM 277700.

Allele frequency attached by ClinVar (database versions not stated): gnomAD exomes below 0.00001.
gnomAD v4.1: 1 of 1,613,162 alleles (0.000062%); highest among the groups gnomAD compares: Non-Finnish European, 0.000085%; no homozygotes.

Submission:

Labcorp Genetics (formerly Invitae), Labcorp
Classification: Uncertain significance for Werner syndrome. Last evaluated: 2023-03-31. Review status: criteria provided, single submitter. Criteria: Invitae Variant Classification Sherloc (09022015). Collection method: clinical testing. Allele origin: germline.
Comment: An algorithm developed to predict the effect of missense changes on protein structure and function (PolyPhen-2) suggests that this variant is likely to be disruptive. In summary, the available evidence is currently insufficient to determine the role of this variant in disease. Therefore, it has been classified as a Variant of Uncertain Significance. This sequence change replaces glutamine, which is neutral and polar, with glutamic acid, which is acidic and polar, at codon 623 of the WRN protein (p.Gln623Glu). This variant is not present in population databases (gnomAD no frequency). This variant has not been reported in the literature in individuals affected with WRN-related conditions. ClinVar contains an entry for this variant (Variation ID: 2202002).

NM_000553.6(WRN):c.1867C>G (p.Gln623Glu)

Gene: WRN (WRN RecQ like helicase; plus strand). Cytogenetic location: 8p12.
Variant type: single nucleotide variant.
Coding change: c.1867C>G on transcript NM_000553.6 (MANE Select); coding-DNA position 1867, C replaced by G.
Protein change: p.Gln623Glu; replaces glutamine 623 with glutamic acid.
Molecular consequence: missense variant.
Genome position (GRCh38, 1-based): chr8:31,091,867, C>G. VCF-style: chr8-31091867-C-G. GRCh37 (hg19) VCF-style: chr8-30949383-C-G.
Other names: short protein forms Q623E.
Identifiers: ClinVar variation 2202002 (VCV002202002.4), dbSNP rs2535934110, ClinGen allele CA370928457.